The following is an entry in ClinVar:

ClinVar aggregate classification (germline): Uncertain significance. Review status: criteria provided, multiple submitters, no conflicts (2 of 4 stars). 5 submissions from 5 submitters: Uncertain significance (5). Last evaluated 2026-01-21.

Conditions:
Hereditary cancer-predisposing syndrome. Also called: Hereditary neoplastic syndrome; Hereditary Cancer Syndrome; Neoplastic Syndromes, Hereditary; Tumor predisposition. Identifiers: Orphanet 140162, MedGen C0027672, MeSH D009386, MONDO:0015356.
Neuroblastoma, susceptibility to, 3. Also called: ALK-Related Neuroblastic Tumor Susceptibility. Identifiers: Orphanet 635, MedGen C2751681, MONDO:0013083, OMIM 613014.

Submissions (5):

Labcorp Genetics (formerly Invitae), Labcorp
Classification: Uncertain significance for Neuroblastoma, susceptibility to, 3. Last evaluated: 2026-01-21. Review status: criteria provided, single submitter. Criteria: Invitae Variant Classification Sherloc (09022015). Collection method: clinical testing. Allele origin: germline.
Comment: This sequence change replaces leucine, which is neutral and non-polar, with proline, which is neutral and non-polar, at codon 9 of the ALK protein (p.Leu9Pro). The frequency data for this variant in the population databases is considered unreliable, as metrics indicate poor data quality at this position in the gnomAD database. This variant has not been reported in the literature in individuals affected with ALK-related conditions. ClinVar contains an entry for this variant (Variation ID: 574480). An algorithm developed to predict the effect of missense changes on protein structure and function (PolyPhen-2) suggests that this variant is likely to be tolerated. In summary, the available evidence is currently insufficient to determine the role of this variant in disease. Therefore, it has been classified as a Variant of Uncertain Significance.

Ambry Genetics
Classification: Uncertain significance for Hereditary cancer-predisposing syndrome. Last evaluated: 2024-12-30. Review status: criteria provided, single submitter. Criteria: Ambry Variant Classification Scheme 2023. Collection method: clinical testing. Allele origin: germline.
Comment: The c.26_27delTCinsCG variant (also known as p.L9P), located in coding exon 1 of the ALK gene, results from an in-frame deletion of TC and insertion of CG at nucleotide positions 26 to 27. This results in the substitution of the leucine residue for a proline residue at codon 9, an amino acid with similar properties. This amino acid position is not well conserved in available vertebrate species. In addition, the in silico prediction for this alteration is inconclusive. Based on the available evidence, the clinical significance of this variant remains unclear.

GeneDx
Classification: Uncertain significance. Last evaluated: 2024-09-03. Review status: criteria provided, single submitter. Criteria: GeneDx Variant Classification Process June 2021. Collection method: clinical testing. Allele origin: germline.
Comment: In silico analysis supports a deleterious effect on protein structure/function; Has not been previously published as pathogenic or benign to our knowledge; In-frame deletion and insertion of one amino acid in a non-repeat region

Genetic Services Laboratory, University of Chicago
Classification: Uncertain significance. Last evaluated: 2021-10-05. Review status: criteria provided, single submitter. Criteria: ACMG Guidelines, 2015. Collection method: clinical testing. Allele origin: germline. Affected: no.
Comment: DNA sequence analysis of the ALK gene demonstrated a sequence change, c.26_27delinsCG, in exon 1 that results in an amino acid change, p.Leu9Pro. The population frequency of this sequence change in the gnomAD database is unknown. The p.Leu9Pro variant does not appear to have been previously described in individuals with ALK-related disorders. The p.Leu9Pro change affects a poorly conserved amino acid residue of the ALK protein. In-silico pathogenicity prediction tools (SIFT, PolyPhen2, Align GVGD, REVEL) provide contradictory results for the p.Leu9Pro substitution. Due to insufficient evidence and the lack of functional studies, the clinical significance of the p.Leu9Pro variant remains unknown at this time.

Sema4
Classification: Uncertain significance for Hereditary cancer-predisposing syndrome. Last evaluated: 2021-07-05. Review status: criteria provided, single submitter. Criteria: Sema4 Curation Guidelines. Collection method: curation. Allele origin: germline.
Comment: The ALK c.26_27delTCinsCG (p.L9P) variant has not been reported in the literature to our knowledge. It was not observed in the large and broad cohorts of the Genome Aggregation Database (PMID: 32461654). This variant has been reported in ClinVar (Variation ID 574480). Functional studies have not been performed, and in silico predictions of the variant's effect on protein function are inconclusive. The evidence is insufficient to meet ACMG/AMP criteria for classifying the variant as benign or pathogenic. Thus, the clinical significance of this variant is currently uncertain.

NM_004304.5(ALK):c.26_27delinsCG (p.Leu9Pro)

Gene: ALK (ALK receptor tyrosine kinase; minus strand). Cytogenetic location: 2p23.1.
Variant type: Indel.
Coding change: c.26_27delinsCG on transcript NM_004304.5 (MANE Select); coding-DNA positions 26 to 27, TC replaced by CG.
Protein change: p.Leu9Pro; replaces leucine 9 with proline.
Molecular consequence: missense variant.
Genome position (GRCh38, 1-based): chr2:29,920,633-29,920,634, GA replaced by CG on the plus strand (TC replaced by CG on the coding strand, the reverse complement: ALK is on the minus strand). VCF-style: chr2-29920633-GA-CG. GRCh37 (hg19) VCF-style: chr2-30143499-GA-CG.
Other names: c.26_27delinsCG (NM_004304.4); c.26_27delTCinsCG (NM_004304.3); short protein forms L9P.
Identifiers: ClinVar variation 574480 (VCV000574480.16), dbSNP rs1558550306, ClinGen allele CA891843394.